The following is an entry in ClinVar:

NM_003322.6(TULP1):c.647C>G (p.Ala216Gly)

Gene: TULP1 (TUB like protein 1; minus strand). Cytogenetic location: 6p21.31.
Variant type: single nucleotide variant.
Coding change: c.647C>G on transcript NM_003322.6 (MANE Select); coding-DNA position 647, C replaced by G.
Protein change: p.Ala216Gly; replaces alanine 216 with glycine.
Molecular consequence: missense variant.
Genome position (GRCh38, 1-based): chr6:35,509,705, G>C on the plus strand (C>G on the coding strand, the complement: TULP1 is on the minus strand). VCF-style: chr6-35509705-G-C. GRCh37 (hg19) VCF-style: chr6-35477482-G-C.
Other names: c.488C>G, p.Ala163Gly (NM_001289395.2); short protein forms A163G, A216G.
Identifiers: ClinVar variation 1386139 (VCV001386139.6), dbSNP rs754221623, ClinGen allele CA3772849.

ClinVar aggregate classification (germline): Uncertain significance (1 of 4 stars; one submission).

gnomAD v4.1: 1 of 1,613,856 alleles (0.000062%); highest among the groups gnomAD compares: African/African-American, 0.0013%; no homozygotes.

Submission:

Labcorp Genetics (formerly Invitae), Labcorp
Classification: Uncertain significance. Last evaluated: 2021-10-11. Review status: criteria provided, single submitter. Criteria: Invitae Variant Classification Sherloc (09022015). Collection method: clinical testing. Allele origin: germline.
Comment: In summary, the available evidence is currently insufficient to determine the role of this variant in disease. Therefore, it has been classified as a Variant of Uncertain Significance. Algorithms developed to predict the effect of missense changes on protein structure and function output the following: SIFT: "Not Available"; PolyPhen-2: "Benign"; Align-GVGD: "Not Available". The glycine amino acid residue is found in multiple mammalian species, which suggests that this missense change does not adversely affect protein function. This variant has not been reported in the literature in individuals affected with TULP1-related conditions. This variant is present in population databases (rs754221623, ExAC 0.01%). This sequence change replaces alanine with glycine at codon 216 of the TULP1 protein (p.Ala216Gly). The alanine residue is weakly conserved and there is a small physicochemical difference between alanine and glycine.